The following is an entry in ClinVar:

ClinVar aggregate classification (germline): Likely pathogenic. Review status: criteria provided, multiple submitters, no conflicts (2 of 4 stars). 2 submissions from 2 submitters: Likely pathogenic (2). Last evaluated 2025-01-22.

Conditions:
Muscular dystrophy-dystroglycanopathy (congenital with brain and eye anomalies), type A3. Also called: Muscular dystrophy-dystroglycanopathy (congenital with brain and eye anomalies), type A, 3; Congenital muscular dystrophy-dystroglycanopathy with brain and eye anomalies, type A3; WALKER-WARBURG SYNDROME OR MUSCLE-EYE-BRAIN DISEASE, POMGNT1-RELATED. Identifiers: MedGen C3151519, MONDO:0009667, OMIM 253280.
POMGNT1-related disorder. Also called: POMGNT1-related condition; POMGNT1-related disorders. Identifiers: MedGen CN239299.

Submissions (2):

PreventionGenetics, part of Exact Sciences
Classification: Likely pathogenic for POMGNT1-related condition. Last evaluated: 2025-01-22. Review status: criteria provided, single submitter. Criteria: ACMG Guidelines, 2015. Collection method: clinical testing. Allele origin: germline.
Comment: The POMGNT1 c.307delG variant is predicted to result in a frameshift and premature protein termination (p.Val103Cysfs*41). To our knowledge, this variant has not been reported in the literature or in a large population database (gnomAD), indicating this variant is rare. Frameshift variants in POMGNT1 are expected to be pathogenic. This variant is interpreted as likely pathogenic.

Myriad Genetics, Inc.
Classification: Likely pathogenic for Muscular dystrophy-dystroglycanopathy (congenital with brain and eye anomalies), type A3. Last evaluated: 2022-04-14. Review status: criteria provided, single submitter. Criteria: Myriad Women's Health Autosomal Recessive and X-Linked Classification Criteria (2021). Collection method: clinical testing. Allele origin: unknown.
Comment: NM_017739.3(POMGNT1):c.307delG(V103Cfs*41) is expected to be pathogenic in the context of POMGNT-related disorders. This variant is predicted to lead to an abnormal or absent protein product due to the creation of a premature termination codon in POMGNT1, a gene where loss-of-function variants are known to be pathogenic. Please note: this variant was assessed in the context of healthy population screening.

NM_017739.4(POMGNT1):c.307del (p.Val103fs)

Gene: POMGNT1 (protein O-linked mannose N-acetylglucosaminyltransferase 1 (beta 1,2-); minus strand). Cytogenetic location: 1p34.1.
Variant type: Deletion.
Coding change: c.307del on transcript NM_017739.4 (MANE Select); coding-DNA position 307, one base deleted (G; older notation c.307delG).
Protein change: p.Val103fs; shifts the reading frame from valine 103.
Molecular consequence: frameshift variant. On other transcripts: 5 prime UTR variant (1).
Genome position (GRCh38, 1-based): chr1:46,196,778, C deleted on the plus strand (G on the coding strand, the reverse complement: POMGNT1 is on the minus strand); the first of 2 consecutive C bases (chr1:46,196,778-46,196,779); deleting either gives the same sequence. VCF-style (leftmost placement, unchanged base first): chr1-46196777-AC-A. GRCh37 (hg19) VCF-style: chr1-46662449-AC-A.
Other names: c.307delG (NM_001243766.1); c.307del, p.Val103fs (NM_001243766.2, NM_001410783.1); c.240delG, p.Val81Cysfs (NM_001290129.3); c.-123del (NM_001290130.2); short protein forms V103fs, V81fs.
Identifiers: ClinVar variation 1725918 (VCV001725918.3), dbSNP rs2525462235, ClinGen allele CA2580062997.